The following is an entry in ClinVar:

ClinVar aggregate classification (germline): Uncertain significance. Review status: criteria provided, multiple submitters, no conflicts (2 of 4 stars). 3 submissions from 3 submitters: Uncertain significance (3). Last evaluated 2026-03-04.

Conditions:
Cardiovascular phenotype. Identifiers: MedGen CN230736.

gnomAD v4.1: 20 of 1,612,652 alleles (0.0012%); highest among the groups gnomAD compares: East Asian, 0.0045%; no homozygotes.

Submissions (3):

Women's Health and Genetics/Laboratory Corporation of America, LabCorp
Classification: Uncertain significance. Last evaluated: 2026-03-04. Review status: criteria provided, single submitter. Criteria: LabCorp Variant Classification Summary - May 2015. Collection method: clinical testing. Allele origin: germline.
Comment: Variant summary: TNXB c.7462G>C (p.Val2488Leu) results in a conservative amino acid change in the encoded protein sequence. Algorithms developed to predict the effect of missense changes on protein structure and function all suggest that this variant is likely to be tolerated. The variant allele was found at a frequency of 8.1e-06 in 245598 control chromosomes. The available data on variant occurrences in the general population are insufficient to allow any conclusion about variant significance. To our knowledge, no occurrence of c.7462G>C in individuals affected with TNXB-related conditions and no experimental evidence demonstrating its impact on protein function have been reported. ClinVar contains an entry for this variant (Variation ID: 1759028). Based on the evidence outlined above, the variant was classified as uncertain significance.

Ambry Genetics
Classification: Uncertain significance for Cardiovascular phenotype. Last evaluated: 2024-10-09. Review status: criteria provided, single submitter. Criteria: Ambry Variant Classification Scheme 2023. Collection method: clinical testing. Allele origin: germline.

GeneDx
Classification: Uncertain significance. Last evaluated: 2022-06-01. Review status: criteria provided, single submitter. Criteria: GeneDx Variant Classification Process June 2021. Collection method: clinical testing. Allele origin: germline. Affected: yes.
Comment: Has not been previously published as pathogenic or benign to our knowledge; Not observed at significant frequency in large population cohorts (gnomAD); In silico analysis supports that this missense variant does not alter protein structure/function

NM_001365276.2(TNXB):c.7462G>C (p.Val2488Leu)

Gene: TNXB (tenascin XB; minus strand). Cytogenetic location: 6p21.33.
Variant type: single nucleotide variant.
Coding change: c.7462G>C on transcript NM_001365276.2 (MANE Select); coding-DNA position 7462, G replaced by C.
Protein change: p.Val2488Leu; replaces valine 2488 with leucine.
Molecular consequence: missense variant.
Genome position (GRCh38, 1-based): chr6:32,061,427, C>G on the plus strand (G>C on the coding strand, the complement: TNXB is on the minus strand). VCF-style: chr6-32061427-C-G. GRCh37 (hg19) VCF-style: chr6-32029204-C-G.
Other names: c.7462G>C, p.Val2488Leu (NM_019105.8); short protein forms V2488L.
Identifiers: ClinVar variation 1759028 (VCV001759028.5), dbSNP rs376140750, ClinGen allele CA3734146.
Genomic context (GRCh38, chr6:32,061,427, plus strand): 5'-GGTTACCCCGAGACTCCAAGCACTACTCACCAGTCACGCCCACGGTGGACACCGGGCCCA[C>G]GCGCCGCCCCTCGTGGAGGCCATACAGGTGCATCTTGTATTTGCGCCCAGGCTCCAGGCC-3'
Protein context (NP_001352205.1, residues 2478-2498): HLYGLHEGRR[Val2488Leu]GPVSTVGVTA